The following is an entry in ClinVar:

NM_004385.5(VCAN):c.9443C>T (p.Thr3148Ile)

Genes: VCAN (versican; plus strand), VCAN-AS1 (VCAN antisense RNA 1; minus strand). Cytogenetic location: 5q14.3.
Variant type: single nucleotide variant.
Coding change: c.9443C>T on transcript NM_004385.5 (MANE Select); coding-DNA position 9443, C replaced by T.
Protein change: p.Thr3148Ile; replaces threonine 3148 with isoleucine.
Molecular consequence: missense variant.
Genome position (GRCh38, 1-based): chr5:83,548,034, C>T. VCF-style: chr5-83548034-C-T. GRCh37 (hg19) VCF-style: chr5-82843853-C-T.
Other names: c.1220C>T, p.Thr407Ile (NM_001126336.3); c.6482C>T, p.Thr2161Ile (NM_001164097.2); c.4181C>T, p.Thr1394Ile (NM_001164098.2); short protein forms T407I, T2161I, T1394I, T3148I.
Identifiers: ClinVar variation 2777906 (VCV002777906.3), dbSNP rs374872107, ClinGen allele CA360297075.

ClinVar aggregate classification (germline): Uncertain significance (1 of 4 stars; one submission).

gnomAD v4.1: 1 of 1,614,096 alleles (0.000062%); highest among the groups gnomAD compares: East Asian, 0.0022%; no homozygotes.

Submission:

Labcorp Genetics (formerly Invitae), Labcorp
Classification: Uncertain significance. Last evaluated: 2023-06-16. Review status: criteria provided, single submitter. Criteria: Invitae Variant Classification Sherloc (09022015). Collection method: clinical testing. Allele origin: germline.
Comment: This variant is not present in population databases (gnomAD no frequency). In summary, the available evidence is currently insufficient to determine the role of this variant in disease. Therefore, it has been classified as a Variant of Uncertain Significance. An algorithm developed to predict the effect of missense changes on protein structure and function (PolyPhen-2) suggests that this variant is likely to be disruptive. This variant has not been reported in the literature in individuals affected with VCAN-related conditions. This sequence change replaces threonine, which is neutral and polar, with isoleucine, which is neutral and non-polar, at codon 3148 of the VCAN protein (p.Thr3148Ile).